The following is an entry in ClinVar:

NM_000051.4(ATM):c.9005_9011delinsGTTG (p.Phe3002_Lys3004delinsCysTer)

Genes: ATM (ATM serine/threonine kinase; plus strand), C11orf65 (chromosome 11 open reading frame 65; minus strand). Cytogenetic location: 11q22.3.
Variant type: Indel.
Coding change: c.9005_9011delinsGTTG on transcript NM_000051.4 (MANE Select); coding-DNA positions 9005 to 9011, TCAACAA replaced by GTTG.
Protein change: p.Phe3002_Lys3004delinsCysTer.
Molecular consequence: nonsense. On other transcripts: intron variant (2).
Genome position (GRCh38, 1-based): chr11:108,365,342-108,365,348, TCAACAA replaced by GTTG. VCF-style: chr11-108365342-TCAACAA-GTTG. GRCh37 (hg19) VCF-style: chr11-108236069-TCAACAA-GTTG.
Other names: c.9005_9011delinsGTTG, p.Phe3002_Lys3004delinsCysTer (NM_001351834.2); c.640+20572_640+20578delinsCAAC (NM_001330368.2); c.694+20572_694+20578delinsCAAC (NM_001351110.2).
Identifiers: ClinVar variation 3967158 (VCV003967158.1).

ClinVar aggregate classification (germline): Likely pathogenic (1 of 4 stars; one submission).

Conditions:
Hereditary cancer-predisposing syndrome. Also called: Neoplastic Syndromes, Hereditary; Tumor predisposition; Hereditary Cancer Syndrome; Hereditary neoplastic syndrome. Identifiers: Orphanet 140162, MedGen C0027672, MeSH D009386, MONDO:0015356.

Submission:

Ambry Genetics
Classification: Likely pathogenic for Hereditary cancer-predisposing syndrome. Last evaluated: 2025-06-13. Review status: criteria provided, single submitter. Criteria: Ambry Variant Classification Scheme 2023. Collection method: clinical testing. Allele origin: germline.
Comment: The c.9005_9011delTCAACAAinsGTTG variant, located in coding exon 62 of the ATM gene, results from an in-frame deletion of TCAACAA and insertion of GTTG at nucleotide positions 9005 to 9011 and creates an alternate stop codon within coding exon 62 (p.F3002_K3004delinsC*). This alteration occurs at the 3' terminus of theATM gene, is not expected to trigger nonsense-mediated mRNA decay, and impacts the last 1.7% of the protein. However, premature stop codons are typically deleterious in nature and the impacted region is critical for protein function (Ambry internal data). This variant is considered to be rare based on population cohorts in the Genome Aggregation Database (gnomAD). Based on the majority of available evidence to date, this variant is likely to be pathogenic.